The following is an entry in ClinVar:

NM_020937.4(FANCM):c.4859AAG[2] (p.Glu1622del)

Gene: FANCM (FA complementation group M; plus strand). Cytogenetic location: 14q21.2.
Variant type: Microsatellite.
Coding change: c.4859AAG[2] on transcript NM_020937.4 (MANE Select); two copies in a row of the 3-base unit AAG starting at c.4859; the reference has three copies in a row; one copy, 3 bases deleted; also written c.4865_4867del.
Protein change: p.Glu1622del; deletes glutamic acid 1622.
Molecular consequence: inframe deletion.
Genome position (GRCh38, 1-based): chr14:45,188,887-45,188,889, AAG deleted; deleting any 3 consecutive bases within chr14:45,188,880-45,188,889 gives the same sequence; the position shown is the placement nearest the transcript's 3' end. VCF-style (leftmost placement, unchanged base first): chr14-45188879-TGAA-T. GRCh37 (hg19) VCF-style: chr14-45658082-TGAA-T.
Other names: c.4865_4867del (NM_020937.2, NM_020937.4); c.4781AAG[2], p.Glu1596del (NM_001308133.2); short protein forms E1622del, E1596del.
Identifiers: ClinVar variation 696063 (VCV000696063.23), dbSNP rs765421461, ClinGen allele CA7169870.

ClinVar aggregate classification (germline): Conflicting classifications of pathogenicity. Review status: criteria provided, conflicting classifications (1 of 4 stars). 7 submissions from 7 submitters: Uncertain significance (4); Likely benign (3). Last evaluated 2025-11-26.

Conditions:
Hereditary cancer-predisposing syndrome. Also called: Hereditary Cancer Syndrome; Tumor predisposition; Hereditary neoplastic syndrome; Neoplastic Syndromes, Hereditary. Identifiers: Orphanet 140162, MedGen C0027672, MeSH D009386, MONDO:0015356.
Hereditary breast ovarian cancer syndrome. Also called: Breast and ovarian cancer; Hereditary breast and/or ovarian cancer syndrome; Hereditary breast and ovarian cancer; Hereditary breast and ovarian cancer syndrome (HBOC); BRCA1- and BRCA2-Associated Hereditary Breast and Ovarian Cancer; Hereditary breast and ovarian cancer syndrome. Identifiers: Orphanet 145, MedGen C0677776, MeSH D061325, MONDO:0003582. Disease mechanism: loss of function.
Fanconi anemia (FA). Also called: Fanconi's anemia. Identifiers: Orphanet 84, MedGen C0015625, MeSH D005199, MONDO:0019391.

Submissions (7):

Labcorp Genetics (formerly Invitae), Labcorp
Classification: Likely benign for Fanconi anemia. Last evaluated: 2025-11-26. Review status: criteria provided, single submitter. Criteria: Invitae Variant Classification Sherloc (09022015). Collection method: clinical testing. Allele origin: germline.

Quest Diagnostics Nichols Institute San Juan Capistrano
Classification: Likely benign. Last evaluated: 2025-03-19. Review status: criteria provided, single submitter. Criteria: Quest Diagnostics criteria. Collection method: clinical testing. Allele origin: unknown.

Blueprint Genetics
Classification: Uncertain significance. Last evaluated: 2024-11-26. Review status: criteria provided, single submitter. Criteria: ACMG Guidelines, 2015. Collection method: clinical testing. Allele origin: germline.

GeneDx
Classification: Uncertain significance. Last evaluated: 2022-06-14. Review status: criteria provided, single submitter. Criteria: GeneDx Variant Classification Process June 2021. Collection method: clinical testing. Allele origin: germline. Affected: yes.
Comment: In-frame deletion of 1 amino acid in a non-repeat region; In silico analysis supports a deleterious effect on protein structure/function; Has not been previously published as pathogenic or benign to our knowledge

Sema4
Classification: Likely benign for Hereditary cancer-predisposing syndrome. Last evaluated: 2021-06-14. Review status: criteria provided, single submitter. Criteria: Sema4 Curation Guidelines. Collection method: curation. Allele origin: germline.

Revvity Omics, Revvity
Classification: Uncertain significance. Last evaluated: 2020-03-07. Review status: criteria provided, single submitter. Criteria: ACMG Guidelines, 2015. Collection method: clinical testing. Allele origin: germline.

Cancer Genomics Group, Japanese Foundation For Cancer Research
Classification: Uncertain significance for Hereditary breast and ovarian cancer syndrome. Last evaluated: 2019-05-01. Review status: criteria provided, single submitter. Criteria: ACMG Guidelines, 2015. Collection method: research. Allele origin: germline. Affected: yes.

Literature cited by the submitters: PubMed 39595984 (cited by Quest Diagnostics Nichols Institute San Juan Capistrano).